The following is an entry in ClinVar:

ClinVar aggregate classification (germline): Likely benign. Review status: criteria provided, multiple submitters, no conflicts (2 of 4 stars). 3 submissions from 3 submitters: Likely benign (3). Last evaluated 2025-11-02.

Allele frequency attached by ClinVar (database versions not stated): TOPMed 0.00029; 1000 Genomes Project 0.00040; 1000 Genomes Project 30x 0.00047.
gnomAD v4.1: 661 of 1,612,360 alleles (0.041%); highest among the groups gnomAD compares: Middle Eastern, 0.083%; no homozygotes.

Submissions (6):

Labcorp Genetics (formerly Invitae), Labcorp
Classification: Likely benign. Last evaluated: 2025-11-02. Review status: criteria provided, single submitter. Criteria: Invitae Variant Classification Sherloc (09022015). Collection method: clinical testing. Allele origin: germline.

CeGaT Center for Human Genetics Tuebingen
Classification: Likely benign. Last evaluated: 2024-11-01. Review status: criteria provided, single submitter. Criteria: CeGaT Center For Human Genetics Tuebingen Variant Classification Criteria Version 2. Collection method: clinical testing. Allele origin: germline. Affected: yes. Observed: 1 variant allele.
Comment: MRPS7: BP4

GeneDx
Classification: Likely benign. Last evaluated: 2018-04-10. Review status: criteria provided, single submitter. Criteria: GeneDx Variant Classification Process June 2021. Collection method: clinical testing. Allele origin: germline. Affected: yes.

Dr. Peter K. Rogan Lab, Western University
No classification provided (evidence only). Condition: Acute myeloid leukemia. Review status: no classification provided. Collection method: in vitro. Allele origin: not applicable. Functional consequence: retained intron. Not counted in ClinVar's aggregate classification.

Dr. Peter K. Rogan Lab, Western University
No classification provided (evidence only). Condition: Thyroid cancer, nonmedullary, 1. Review status: no classification provided. Collection method: in vitro. Allele origin: not applicable. Functional consequence: retained intron. Not counted in ClinVar's aggregate classification.

Dr. Peter K. Rogan Lab, Western University
No classification provided (evidence only). Condition: Uveal melanoma. Review status: no classification provided. Collection method: in vitro. Allele origin: not applicable. Functional consequence: retained intron. Not counted in ClinVar's aggregate classification.

NM_015971.4(MRPS7):c.84-8C>G

Gene: MRPS7 (mitochondrial ribosomal protein S7; plus strand). Cytogenetic location: 17q25.1.
Variant type: single nucleotide variant.
Coding change: c.84-8C>G on transcript NM_015971.4 (MANE Select); 8 bases into the intron before coding-DNA position 84, C replaced by G.
Molecular consequence: intron variant.
Genome position (GRCh38, 1-based): chr17:75,262,489, C>G. VCF-style: chr17-75262489-C-G. GRCh37 (hg19) VCF-style: chr17-73258570-C-G.
Identifiers: ClinVar variation 382414 (VCV000382414.41), dbSNP rs200570062, ClinGen allele CA8760285.